The following is an entry in ClinVar:

NM_001378454.1(ALMS1):c.2884A>G (p.Ser962Gly)

Gene: ALMS1 (ALMS1 centrosome and basal body associated protein; plus strand). Cytogenetic location: 2p13.1.
Variant type: single nucleotide variant.
Coding change: c.2884A>G on transcript NM_001378454.1 (MANE Select); coding-DNA position 2884, A replaced by G.
Protein change: p.Ser962Gly; replaces serine 962 with glycine.
Molecular consequence: missense variant.
Genome position (GRCh38, 1-based): chr2:73,449,411, A>G. VCF-style: chr2-73449411-A-G. GRCh37 (hg19) VCF-style: chr2-73676538-A-G.
Other names: c.2887A>G, p.Ser963Gly (NM_015120.4); short protein forms S962G, S963G.
Identifiers: ClinVar variation 1991857 (VCV001991857.4), dbSNP rs796389312, ClinGen allele CA347272786.

ClinVar aggregate classification (germline): Uncertain significance (1 of 4 stars; one submission).

Conditions:
Alstrom syndrome (ALMS). Identifiers: Orphanet 64, MedGen C0268425, MONDO:0008763, OMIM 203800.

Submission:

Labcorp Genetics (formerly Invitae), Labcorp
Classification: Uncertain significance for Alstrom syndrome. Last evaluated: 2022-07-04. Review status: criteria provided, single submitter. Criteria: Invitae Variant Classification Sherloc (09022015). Collection method: clinical testing. Allele origin: germline.
Comment: In summary, the available evidence is currently insufficient to determine the role of this variant in disease. Therefore, it has been classified as a Variant of Uncertain Significance. Experimental studies and prediction algorithms are not available or were not evaluated, and the functional significance of this variant is currently unknown. This variant has not been reported in the literature in individuals affected with ALMS1-related conditions. This variant is not present in population databases (gnomAD no frequency). This sequence change replaces serine, which is neutral and polar, with glycine, which is neutral and non-polar, at codon 963 of the ALMS1 protein (p.Ser963Gly).